The following is an entry in ClinVar:

ClinVar aggregate classification (germline): Benign (1 of 4 stars; one submission).

Conditions:
Nephronophthisis-like nephropathy 1 (NPHPL1). Identifiers: Orphanet 655, MedGen C3150419, MONDO:0013163, OMIM 613159.

Allele frequency attached by ClinVar (database versions not stated): gnomAD 0.00444 and 0.00474; TOPMed 0.00489; 1000 Genomes Project 30x 0.00640; 1000 Genomes Project 0.00659.

Submission:

Illumina Laboratory Services, Illumina
Classification: Benign for Nephronophthisis-like nephropathy 1. Last evaluated: 2018-01-12. Review status: criteria provided, single submitter. Criteria: ICSL Variant Classification Criteria 13 December 2019. Collection method: clinical testing. Allele origin: germline.
Comment: This variant was observed in the ICSL laboratory as part of a predisposition screen in an ostensibly healthy population. It had not been previously curated by ICSL or reported in the Human Gene Mutation Database (HGMD: prior to June 1st, 2018), and was therefore a candidate for classification through an automated scoring system. Utilizing variant allele frequency, disease prevalence and penetrance estimates, and inheritance mode, an automated score was calculated to assess if this variant is too frequent to cause the disease. Based on the score and internal cut-off values, a variant classified as benign is not then subjected to further curation. The score for this variant resulted in a classification of benign for this disease.

NM_022098.4(XPNPEP3):c.*5643C>G

Gene: XPNPEP3 (X-prolyl aminopeptidase 3; plus strand). Cytogenetic location: 22q13.2.
Variant type: single nucleotide variant.
Coding change: c.*5643C>G on transcript NM_022098.4 (MANE Select); 5643 bases downstream of the stop codon, C replaced by G.
Molecular consequence: 3 prime UTR variant.
Genome position (GRCh38, 1-based): chr22:40,932,078, C>G. VCF-style: chr22-40932078-C-G. GRCh37 (hg19) VCF-style: chr22-41328082-C-G.
Identifiers: ClinVar variation 341756 (VCV000341756.5), dbSNP rs115817476, ClinGen allele CA10651368.